The following is an entry in ClinVar:

NM_024675.4(PALB2):c.806G>A (p.Gly269Asp)

Gene: PALB2 (partner and localizer of BRCA2; minus strand). Cytogenetic location: 16p12.2.
Variant type: single nucleotide variant.
Coding change: c.806G>A on transcript NM_024675.4 (MANE Select); coding-DNA position 806, G replaced by A.
Protein change: p.Gly269Asp; replaces glycine 269 with aspartic acid.
Molecular consequence: missense variant.
Genome position (GRCh38, 1-based): chr16:23,635,740, C>T on the plus strand (G>A on the coding strand, the complement: PALB2 is on the minus strand). VCF-style: chr16-23635740-C-T. GRCh37 (hg19) VCF-style: chr16-23647061-C-T.
Other names: short protein forms G269D.
Identifiers: ClinVar variation 944127 (VCV000944127.11), dbSNP rs1431508303, ClinGen allele CA395136003.
Genomic context (GRCh38, chr16:23,635,740, plus strand): 5'-AAACTTACAGGTGAAGTAAATCTAATGTTTTTTAGGTCGTGAGTAGTAAGTTCACTGCTA[C>T]CTTTAGGAGGAATGTGTTCAAGGTGCTGACTACTACCGCTATCTGATAGAGTCTGTAAAG-3'
Protein context (NP_078951.2, residues 259-279): SQHLEHIPPK[Gly269Asp]SSELTTHDLK

ClinVar aggregate classification (germline): Uncertain significance. Review status: criteria provided, multiple submitters, no conflicts (2 of 4 stars). 2 submissions from 2 submitters: Uncertain significance (2). Last evaluated 2025-09-10.

Conditions:
Hereditary cancer-predisposing syndrome. Also called: Neoplastic Syndromes, Hereditary; Hereditary Cancer Syndrome; Tumor predisposition; Hereditary neoplastic syndrome. Identifiers: Orphanet 140162, MedGen C0027672, MeSH D009386, MONDO:0015356.
Familial cancer of breast. Also called: hereditary breast carcinoma; BREAST CANCER, FAMILIAL; Hereditary breast cancer. Identifiers: Orphanet 227535, MedGen C0346153, MONDO:0016419, OMIM 114480. Disease mechanism: loss of function.

gnomAD v4.1: 2 of 1,614,100 alleles (0.00012%); highest among the groups gnomAD compares: Non-Finnish European, 0.00017%; no homozygotes.

Submissions (2):

Labcorp Genetics (formerly Invitae), Labcorp
Classification: Uncertain significance for Familial cancer of breast. Last evaluated: 2025-09-10. Review status: criteria provided, single submitter. Criteria: Invitae Variant Classification Sherloc (09022015). Collection method: clinical testing. Allele origin: germline.
Comment: This sequence change replaces glycine, which is neutral and non-polar, with aspartic acid, which is acidic and polar, at codon 269 of the PALB2 protein (p.Gly269Asp). This variant is not present in population databases (gnomAD no frequency). This variant has not been reported in the literature in individuals affected with PALB2-related conditions. ClinVar contains an entry for this variant (Variation ID: 944127). An algorithm developed to predict the effect of missense changes on protein structure and function outputs the following: PolyPhen-2: "Benign". The aspartic acid amino acid residue is found in multiple mammalian species, which suggests that this missense change does not adversely affect protein function. In summary, the available evidence is currently insufficient to determine the role of this variant in disease. Therefore, it has been classified as a Variant of Uncertain Significance.

Ambry Genetics
Classification: Uncertain significance for Hereditary cancer-predisposing syndrome. Last evaluated: 2024-05-10. Review status: criteria provided, single submitter. Criteria: Ambry Variant Classification Scheme 2023. Collection method: clinical testing. Allele origin: germline.
Comment: The p.G269D variant (also known as c.806G>A), located in coding exon 4 of the PALB2 gene, results from a G to A substitution at nucleotide position 806. The glycine at codon 269 is replaced by aspartic acid, an amino acid with similar properties. This amino acid position is conserved. In addition, this alteration is predicted to be tolerated by in silico analysis. Based on the available evidence, the clinical significance of this variant remains unclear.